The following is an entry in ClinVar:

ClinVar aggregate classification (germline): Uncertain significance. Review status: criteria provided, multiple submitters, no conflicts (2 of 4 stars). 5 submissions from 5 submitters: Uncertain significance (5). Last evaluated 2026-07-15.

Conditions:
EP300-related disorder. Also called: EP300-related disorders; EP300-related condition.
Rubinstein-Taybi syndrome due to EP300 haploinsufficiency. Also called: EP300-Related Rubinstein-Taybi Syndrome; RUBINSTEIN-TAYBI SYNDROME 2. Identifiers: Orphanet 353284, Orphanet 783, MedGen C3150941, MONDO:0013364, OMIM 613684.
Inborn genetic diseases. Identifiers: MedGen C0950123, MeSH D030342.

Allele frequency attached by ClinVar (database versions not stated): TOPMed 0.00001; gnomAD 0.00002 and 0.00003.
gnomAD v4.1: 7 of 1,614,072 alleles (0.00043%); highest among the groups gnomAD compares: African/African-American, 0.004%; no homozygotes.

Submissions (5):

PreventionGenetics, part of Exact Sciences
Classification: Uncertain significance for EP300-related condition. Last evaluated: 2026-07-15. Review status: criteria provided, single submitter. Criteria: ACMG Guidelines, 2015. Collection method: clinical testing. Allele origin: germline.
Comment: The EP300 c.7082A>G variant is predicted to result in the amino acid substitution p.Gln2361Arg. To our knowledge, this variant has not been reported in the literature or in a large population database, indicating this variant is rare. At this time, the clinical significance of this variant is uncertain due to the absence of conclusive functional and genetic evidence.

Labcorp Genetics (formerly Invitae), Labcorp
Classification: Uncertain significance for Rubinstein-Taybi syndrome due to EP300 haploinsufficiency. Last evaluated: 2025-11-17. Review status: criteria provided, single submitter. Criteria: Invitae Variant Classification Sherloc (09022015). Collection method: clinical testing. Allele origin: germline.
Comment: This sequence change replaces glutamine, which is neutral and polar, with arginine, which is basic and polar, at codon 2361 of the EP300 protein (p.Gln2361Arg). This variant is not present in population databases (gnomAD no frequency). This variant has not been reported in the literature in individuals affected with EP300-related conditions. ClinVar contains an entry for this variant (Variation ID: 872407). Invitae Evidence Modeling of protein sequence and biophysical properties (such as structural, functional, and spatial information, amino acid conservation, physicochemical variation, residue mobility, and thermodynamic stability) indicates that this missense variant is not expected to disrupt EP300 protein function with a negative predictive value of 95%. In summary, the available evidence is currently insufficient to determine the role of this variant in disease. Therefore, it has been classified as a Variant of Uncertain Significance.

Ambry Genetics
Classification: Uncertain significance for Inborn genetic diseases. Last evaluated: 2025-08-04. Review status: criteria provided, single submitter. Criteria: Ambry Variant Classification Scheme 2023. Collection method: clinical testing. Allele origin: germline.

New York Genome Center
Classification: Uncertain significance for Rubinstein-Taybi syndrome due to EP300 haploinsufficiency. Last evaluated: 2021-06-24. Review status: criteria provided, single submitter. Criteria: NYGC Assertion Criteria 2020. Collection method: clinical testing. Allele origin: inherited. Observed: 1 heterozygote. Study: CSER-NYCKidSeq.

CeGaT Center for Human Genetics Tuebingen
Classification: Uncertain significance. Last evaluated: 2019-12-01. Review status: criteria provided, single submitter. Criteria: CeGaT Center For Human Genetics Tuebingen Variant Classification Criteria Version 2. Collection method: clinical testing. Allele origin: germline. Affected: yes. Observed: 1 variant allele.

NM_001429.4(EP300):c.7082A>G (p.Gln2361Arg)

Gene: EP300 (EP300 lysine acetyltransferase; plus strand). Cytogenetic location: 22q13.2.
Variant type: single nucleotide variant.
Coding change: c.7082A>G on transcript NM_001429.4 (MANE Select); coding-DNA position 7082, A replaced by G.
Protein change: p.Gln2361Arg; replaces glutamine 2361 with arginine.
Molecular consequence: missense variant.
Genome position (GRCh38, 1-based): chr22:41,178,793, A>G. VCF-style: chr22-41178793-A-G. GRCh37 (hg19) VCF-style: chr22-41574797-A-G.
Other names: c.7004A>G, p.Gln2335Arg (NM_001362843.2); c.7082A>G (NM_001429.3); short protein forms Q2335R, Q2361R.
Identifiers: ClinVar variation 872407 (VCV000872407.45), dbSNP rs1263635747, ClinGen allele CA411684244.